The following is an entry in ClinVar:

NM_004655.4(AXIN2):c.1400C>A (p.Pro467Gln)

Gene: AXIN2 (axin 2; minus strand). Cytogenetic location: 17q24.1.
Variant type: single nucleotide variant.
Coding change: c.1400C>A on transcript NM_004655.4 (MANE Select); coding-DNA position 1400, C replaced by A.
Protein change: p.Pro467Gln; replaces proline 467 with glutamine.
Molecular consequence: missense variant.
Genome position (GRCh38, 1-based): chr17:65,537,636, G>T on the plus strand (C>A on the coding strand, the complement: AXIN2 is on the minus strand). VCF-style: chr17-65537636-G-T. GRCh37 (hg19) VCF-style: chr17-63533754-G-T.
Other names: c.1400C>A, p.Pro467Gln (NM_001363813.1); short protein forms P467Q.
Identifiers: ClinVar variation 1771784 (VCV001771784.2), dbSNP rs908388069, ClinGen allele CA400677583.

ClinVar aggregate classification (germline): Uncertain significance (1 of 4 stars; one submission).

Conditions:
Hereditary cancer-predisposing syndrome. Also called: Hereditary Cancer Syndrome; Hereditary neoplastic syndrome; Neoplastic Syndromes, Hereditary; Tumor predisposition. Identifiers: Orphanet 140162, MedGen C0027672, MeSH D009386, MONDO:0015356.

Submission:

Ambry Genetics
Classification: Uncertain significance for Hereditary cancer-predisposing syndrome. Last evaluated: 2021-06-26. Review status: criteria provided, single submitter. Criteria: Ambry Variant Classification Scheme 2023. Collection method: clinical testing. Allele origin: germline.
Comment: The p.P467Q variant (also known as c.1400C>A), located in coding exon 5 of the AXIN2 gene, results from a C to A substitution at nucleotide position 1400. The proline at codon 467 is replaced by glutamine, an amino acid with similar properties. This amino acid position is conserved. In addition, the in silico prediction for this alteration is inconclusive. Since supporting evidence is limited at this time, the clinical significance of this alteration remains unclear.